The following is an entry in ClinVar:

NM_001365088.1(SLC12A6):c.557del (p.Gly186fs)

Gene: SLC12A6 (solute carrier family 12 member 6; minus strand). Cytogenetic location: 15q14.
Variant type: Deletion.
Coding change: c.557del on transcript NM_001365088.1 (MANE Select); coding-DNA position 557, one base deleted (G; older notation c.557delG).
Protein change: p.Gly186fs; shifts the reading frame from glycine 186.
Molecular consequence: frameshift variant.
Genome position (GRCh38, 1-based): chr15:34,257,775, C deleted on the plus strand (G on the coding strand, the reverse complement: SLC12A6 is on the minus strand); the first of 3 consecutive C bases (chr15:34,257,775-34,257,777); deleting any one gives the same sequence. VCF-style (leftmost placement, unchanged base first): chr15-34257774-AC-A. GRCh37 (hg19) VCF-style: chr15-34549975-AC-A.
Other names: c.380del, p.Gly127fs (NM_001042494.2, NM_001042495.2); c.530del, p.Gly177fs (NM_001042496.2); c.512del, p.Gly171fs (NM_001042497.2); c.404del, p.Gly135fs (NM_005135.2); c.557del, p.Gly186fs (NM_133647.2); short protein forms G127fs, G135fs, G171fs, G177fs, G186fs.
Identifiers: ClinVar variation 1725625 (VCV001725625.2), dbSNP rs2509832995, ClinGen allele CA2580089325.

ClinVar aggregate classification (germline): Likely pathogenic (1 of 4 stars; one submission).

Conditions:
Agenesis of the corpus callosum with peripheral neuropathy (ACCPN). Also called: CHARLEVOIX DISEASE; POLYNEUROPATHY, SENSORIMOTOR, WITH OR WITHOUT AGENESIS OF THE CORPUS CALLOSUM; HMSN/ACC; Hereditary Motor and Sensory Neuropathy with Agenesis of the Corpus Callosum. Identifiers: Orphanet 1496, MedGen C0795950, MONDO:0000902, OMIM 218000. Disease mechanism: loss of function.

Submission:

Myriad Genetics, Inc.
Classification: Likely pathogenic for Agenesis of the corpus callosum with peripheral neuropathy. Last evaluated: 2022-03-30. Review status: criteria provided, single submitter. Criteria: Myriad Women's Health Autosomal Recessive and X-Linked Classification Criteria (2021). Collection method: clinical testing. Allele origin: unknown.
Comment: NM_133647.1(SLC12A6):c.557delG(G186Vfs*17) is expected to be pathogenic in the context of Andermann syndrome. This variant is predicted to lead to an abnormal or absent protein product due to the creation of a premature termination codon in SLC12A6, a gene where loss-of-function variants are known to be pathogenic. Please note: this variant was assessed in the context of healthy population screening.